The following is an entry in ClinVar:

ClinVar aggregate classification (germline): Uncertain significance. Review status: criteria provided, multiple submitters, no conflicts (2 of 4 stars). 2 submissions from 2 submitters: Uncertain significance (2). Last evaluated 2025-11-20.

Allele frequency attached by ClinVar (database versions not stated): gnomAD exomes 0.00001; ExAC 0.00004; TOPMed 0.00006; gnomAD 0.00005.
gnomAD v4.1: 29 of 1,563,622 alleles (0.0019%); highest among the groups gnomAD compares: African/African-American, 0.02%; no homozygotes.

Submissions (2):

Dasa
Classification: Uncertain significance. Last evaluated: 2025-11-20. Review status: criteria provided, single submitter. Criteria: DASA Assertion Criteria. Collection method: clinical testing. Allele origin: germline.
Comment: NM_001077268.2(ZFYVE19):c.718G>A (p.Ala240Thr) is a missense variant that results in the substitution of alanine with threonine. This variant is rare in population databases. The currently available literature and clinical evidence are not sufficient to establish a definitive association between this variant and the reported condition. Therefore, this variant is classified as a variant of uncertain significance.

Ambry Genetics
Classification: Uncertain significance. Last evaluated: 2022-12-28. Review status: criteria provided, single submitter. Criteria: Ambry Variant Classification Scheme 2023. Collection method: clinical testing. Allele origin: germline.

NM_001077268.2(ZFYVE19):c.718G>A (p.Ala240Thr)

Gene: ZFYVE19 (zinc finger FYVE-type containing 19; plus strand). Cytogenetic location: 15q15.1.
Variant type: single nucleotide variant.
Coding change: c.718G>A on transcript NM_001077268.2 (MANE Select); coding-DNA position 718, G replaced by A.
Protein change: p.Ala240Thr; replaces alanine 240 with threonine.
Molecular consequence: missense variant.
Genome position (GRCh38, 1-based): chr15:40,810,649, G>A. VCF-style: chr15-40810649-G-A. GRCh37 (hg19) VCF-style: chr15-41102847-G-A.
Other names: c.718G>A, p.Ala240Thr (NM_001258420.2); c.193G>A, p.Ala65Thr (NM_001258421.2); c.688G>A, p.Ala230Thr (NM_032850.5); short protein forms A65T, A230T, A240T.
Identifiers: ClinVar variation 2339348 (VCV002339348.4), dbSNP rs61734894, ClinGen allele CA7485741.